The following is an entry in ClinVar:

ClinVar aggregate classification (germline): Uncertain significance. Review status: criteria provided, multiple submitters, no conflicts (2 of 4 stars). 3 submissions from 3 submitters: Uncertain significance (3). Last evaluated 2026-02-01.

Conditions:
Progressive sclerosing poliodystrophy (MTDPS4A). Also called: Mitochondrial DNA depletion syndrome 4A (Alpers type); Mitochondrial DNA Depletion Syndrome 4A; Alpers Syndrome; ALPERS DIFFUSE DEGENERATION OF CEREBRAL GRAY MATTER WITH HEPATIC CIRRHOSIS; Alpers-Huttenlocher Syndrome; ALPERS PROGRESSIVE INFANTILE POLIODYSTROPHY. Identifiers: Orphanet 726, MedGen C0205710, MONDO:0008758, OMIM 203700.

Allele frequency attached by ClinVar (database versions not stated): gnomAD exomes below 0.00001; TOPMed 0.00002; gnomAD 0.00003.
gnomAD v4.1: 8 of 1,614,038 alleles (0.0005%); highest among the groups gnomAD compares: African/African-American, 0.004%; no homozygotes.

Submissions (3):

Labcorp Genetics (formerly Invitae), Labcorp
Classification: Uncertain significance for Progressive sclerosing poliodystrophy. Last evaluated: 2026-02-01. Review status: criteria provided, single submitter. Criteria: Invitae Variant Classification Sherloc (09022015). Collection method: clinical testing. Allele origin: germline.
Comment: This sequence change replaces lysine, which is basic and polar, with threonine, which is neutral and polar, at codon 704 of the POLG protein (p.Lys704Thr). This variant is present in population databases (no rsID available, gnomAD 0.0009%). This missense change has been observed in individual(s) with autosomal dominant chronic progressive external ophthalmoplegia (PMID: 21880868). ClinVar contains an entry for this variant (Variation ID: 586354). Invitae Evidence Modeling of protein sequence and biophysical properties (such as structural, functional, and spatial information, amino acid conservation, physicochemical variation, residue mobility, and thermodynamic stability) indicates that this missense variant is not expected to disrupt POLG protein function with a negative predictive value of 95%. In summary, the available evidence is currently insufficient to determine the role of this variant in disease. Therefore, it has been classified as a Variant of Uncertain Significance.

Athena Diagnostics
Classification: Uncertain significance. Last evaluated: 2019-03-19. Review status: criteria provided, single submitter. Criteria: Athena Diagnostics Criteria. Collection method: clinical testing. Allele origin: germline.

Wong Mito Lab, Molecular and Human Genetics, Baylor College of Medicine
Classification: Uncertain significance for Progressive sclerosing poliodystrophy. Last evaluated: 2018-10-01. Review status: criteria provided, single submitter. Criteria: ACMG Guidelines, 2015. Collection method: clinical testing. Allele origin: germline.
Comment: The NM_002693.2:c.2111A>C (NP_002684.1:p.Lys704Thr) [GRCH38: NC_000015.10:g.89323861T>G] variant in POLG gene is interpretated to be a Uncertain Significance based on ACMG guidelines (PMID: 25741868). This variant meets the following evidence codes reported in the ACMG-guideline. BP4:Computational evidence/predictors indicate no impact on the POLG structure, function, or protein-protein interaction. Based on the evidence criteria codes applied, the variant is suggested to be Uncertain Significance.

Literature cited by the submitters: PubMed 21880868 (cited by Labcorp Genetics (formerly Invitae), Labcorp and Athena Diagnostics).

NM_002693.3(POLG):c.2111A>C (p.Lys704Thr)

Gene: POLG (DNA polymerase gamma, catalytic subunit; minus strand). Cytogenetic location: 15q26.1.
Variant type: single nucleotide variant.
Coding change: c.2111A>C on transcript NM_002693.3 (MANE Select); coding-DNA position 2111, A replaced by C.
Protein change: p.Lys704Thr; replaces lysine 704 with threonine.
Molecular consequence: missense variant.
Genome position (GRCh38, 1-based): chr15:89,323,861, T>G on the plus strand (A>C on the coding strand, the complement: POLG is on the minus strand). VCF-style: chr15-89323861-T-G. GRCh37 (hg19) VCF-style: chr15-89867092-T-G.
Other names: c.2111A>C, p.Lys704Thr (NM_001126131.2); short protein forms K704T.
Identifiers: ClinVar variation 586354 (VCV000586354.9), dbSNP rs1049107490, ClinGen allele CA10602216.
Genomic context (GRCh38, chr15:89,323,861, plus strand): 5'-GGCGCACTGCTCACCAGAGCTAGGGGTTGACCTGGCACTGCAGCTCGCAAGTTCTCCATC[T>G]TGGCCTCAGCCTCCACTTCTAAGTAATCCAGTTCTTCTACCTGGAGCAGTCCAAGGACCA-3'
Protein context (NP_002684.1, residues 694-714): LDYLEVEAEA[Lys704Thr]MENLRAAVPG